The following is an entry in ClinVar:

ClinVar aggregate classification (germline): Pathogenic/Likely pathogenic. Review status: criteria provided, multiple submitters, no conflicts (2 of 4 stars). 2 submissions from 2 submitters: Pathogenic (1); Likely pathogenic (1). Last evaluated 2024-08-12.

Conditions:
Factor H deficiency (CFHD). Also called: CFH DEFICIENCY; COMPLEMENT FACTOR H DEFICIENCY. Identifiers: Orphanet 200421, MedGen C0398777, MONDO:0012350, OMIM 609814.
Age related macular degeneration 4. Identifiers: MedGen C1853147, MONDO:0012540, OMIM 610698.
Basal laminar drusen. Also called: DRUSEN OF BRUCH MEMBRANE; DRUSEN, CUTICULAR; DRUSEN, EARLY ADULT-ONSET, GROUPED. Identifiers: Orphanet 75376, MedGen C0730295, MONDO:0007472, OMIM 126700.
Hemolytic uremic syndrome, atypical, susceptibility to, 1. Also called: AHUS, SUSCEPTIBILITY TO, 1. Identifiers: Orphanet 2134, Orphanet 90038, MedGen C2749604, MONDO:0009335, OMIM 235400. Disease mechanism: Other.

Allele frequency attached by ClinVar (database versions not stated): gnomAD 0.00001.

Submissions (2):

Labcorp Genetics (formerly Invitae), Labcorp
Classification: Pathogenic. Last evaluated: 2024-08-12. Review status: criteria provided, single submitter. Criteria: Invitae Variant Classification Sherloc (09022015). Collection method: clinical testing. Allele origin: germline.
Comment: This sequence change creates a premature translational stop signal (p.Gln859*) in the CFH gene. It is expected to result in an absent or disrupted protein product. Loss-of-function variants in CFH are known to be pathogenic (PMID: 11170896, 14978182, 16621965, 23870792, 25188723). This variant is not present in population databases (gnomAD no frequency). This variant has not been reported in the literature in individuals affected with CFH-related conditions. ClinVar contains an entry for this variant (Variation ID: 2025535). Algorithms developed to predict the effect of sequence changes on RNA splicing suggest that this variant may disrupt the consensus splice site. For these reasons, this variant has been classified as Pathogenic.

Fulgent Genetics
Classification: Likely pathogenic for Basal laminar drusen; Hemolytic uremic syndrome, atypical, susceptibility to, 1; Factor H deficiency; Age related macular degeneration 4. Last evaluated: 2024-05-25. Review status: criteria provided, single submitter. Criteria: ACMG Guidelines, 2015. Collection method: clinical testing. Allele origin: germline.

Literature cited by the submitters: PubMed 11170896 (cited by Labcorp Genetics (formerly Invitae), Labcorp); PubMed 14978182 (cited by Labcorp Genetics (formerly Invitae), Labcorp); PubMed 16621965 (cited by Labcorp Genetics (formerly Invitae), Labcorp); PubMed 23870792 (cited by Labcorp Genetics (formerly Invitae), Labcorp); PubMed 25188723 (cited by Labcorp Genetics (formerly Invitae), Labcorp).

NM_000186.4(CFH):c.2575C>T (p.Gln859Ter)

Gene: CFH (complement factor H; plus strand). Cytogenetic location: 1q31.3.
Variant type: single nucleotide variant.
Coding change: c.2575C>T on transcript NM_000186.4 (MANE Select); coding-DNA position 2575, C replaced by T.
Protein change: p.Gln859Ter; replaces glutamine 859 with a stop codon.
Molecular consequence: nonsense.
Genome position (GRCh38, 1-based): chr1:196,736,985, C>T. VCF-style: chr1-196736985-C-T. GRCh37 (hg19) VCF-style: chr1-196706115-C-T.
Other names: short protein forms Q859*.
Identifiers: ClinVar variation 2025535 (VCV002025535.5), dbSNP rs1669420365, ClinGen allele CA343993151.